The following is an entry in ClinVar:

ClinVar aggregate classification (germline): Likely pathogenic (1 of 4 stars; one submission).

Conditions:
Dilated cardiomyopathy 1G (CMD1G). Identifiers: Orphanet 154, MedGen C1858763, MONDO:0011400, OMIM 604145.
Autosomal recessive limb-girdle muscular dystrophy type 2J (LGMDR10). Also called: Limb-girdle muscular dystrophy, type 2J; MUSCULAR DYSTROPHY, LIMB-GIRDLE, AUTOSOMAL RECESSIVE 10. Identifiers: Orphanet 140922, MedGen C1837342, MONDO:0012127, OMIM 608807.

Submission:

Labcorp Genetics (formerly Invitae), Labcorp
Classification: Likely pathogenic for Dilated cardiomyopathy 1G; Autosomal recessive limb-girdle muscular dystrophy type 2J. Last evaluated: 2025-04-23. Review status: criteria provided, single submitter. Criteria: Invitae Variant Classification Sherloc (09022015). Collection method: clinical testing. Allele origin: germline.
Comment: This sequence change creates a premature translational stop signal (p.Lys11830Cysfs*12) in the TTN gene. While this is not anticipated to result in nonsense mediated decay, it is expected to create a truncated TTN protein. This variant is not present in population databases (gnomAD no frequency). This variant has not been reported in the literature in individuals affected with TTN-related conditions. ClinVar contains an entry for this variant (Variation ID: 1356757). Algorithms developed to predict the effect of sequence changes on RNA splicing suggest that this variant may disrupt the consensus splice site. This variant is located in the I band of TTN (PMID: 25589632). Truncating variants in this region have been reported in individuals affected with autosomal recessive centronuclear myopathy (PMID: 23975875, internal data). Truncating variants in this region have also been identified in individuals affected with autosomal dominant dilated cardiomyopathy and/or cardio-related conditions (PMID: 27869827, 32964742, internal data). In summary, the currently available evidence indicates that the variant is pathogenic, but additional data are needed to prove that conclusively. Therefore, this variant has been classified as Likely Pathogenic.

Literature cited by the submitters: PubMed 25589632; PubMed 23975875; PubMed 27869827; PubMed 32964742.

NM_001267550.2(TTN):c.35488_35492del (p.Lys11830fs)

Gene: TTN (titin; minus strand). Cytogenetic location: 2q31.2.
Variant type: Deletion.
Coding change: c.35488_35492del on transcript NM_001267550.2 (MANE Select); coding-DNA positions 35488 to 35492, 5 bases deleted (AAAAG; older notation c.35488_35492delAAAAG).
Protein change: p.Lys11830fs; shifts the reading frame from lysine 11830.
Molecular consequence: frameshift variant. On other transcripts: intron variant (5).
Genome position (GRCh38, 1-based): chr2:178,669,426-178,669,430, CTTTT deleted on the plus strand (AAAAG on the coding strand, the reverse complement: TTN is on the minus strand); deleting any 5 consecutive bases within chr2:178,669,426-178,669,433 gives the same sequence; the c. name uses the placement nearest the transcript's 3' end. VCF-style (leftmost placement, unchanged base first): chr2-178669425-ACTTTT-A. GRCh37 (hg19) VCF-style: chr2-179534152-ACTTTT-A.
Other names: c.13283-27113_13283-27109del (NM_003319.4); c.13859-27113_13859-27109del (NM_133437.4); c.13658-27113_13658-27109del (NM_133432.3); c.31483+788_31483+792del (NM_133378.4); c.34264+788_34264+792del (NM_001256850.1); short protein forms K11830fs.
Identifiers: ClinVar variation 1356757 (VCV001356757.6), dbSNP rs1370876304, ClinGen allele CA761303758.